The following is an entry in ClinVar:

NM_000057.4(BLM):c.1221A>C (p.Arg407Ser)

Gene: BLM (BLM RecQ like helicase; plus strand). Cytogenetic location: 15q26.1.
Variant type: single nucleotide variant.
Coding change: c.1221A>C on transcript NM_000057.4 (MANE Select); coding-DNA position 1221, A replaced by C.
Protein change: p.Arg407Ser; replaces arginine 407 with serine.
Molecular consequence: missense variant.
Genome position (GRCh38, 1-based): chr15:90,760,594, A>C. VCF-style: chr15-90760594-A-C. GRCh37 (hg19) VCF-style: chr15-91303824-A-C.
Other names: c.1221A>C (NM_000057.2); c.1221A>C, p.Arg407Ser (NM_001287246.2, NM_001287247.2); c.96A>C, p.Arg32Ser (NM_001287248.2); short protein forms R407S, R32S.
Identifiers: ClinVar variation 647847 (VCV000647847.15), dbSNP rs900060314, ClinGen allele CA274738033.

ClinVar aggregate classification (germline): Uncertain significance. Review status: criteria provided, multiple submitters, no conflicts (2 of 4 stars). 3 submissions from 3 submitters: Uncertain significance (2). 1 of the submissions does not count toward it. Last evaluated 2024-04-29.

Conditions:
Bloom syndrome (BLM). Also called: Bloom-Torre-Machacek syndrome. Identifiers: Orphanet 125, MedGen C0005859, MONDO:0008876, OMIM 210900.
Hereditary cancer-predisposing syndrome. Also called: Hereditary Cancer Syndrome; Tumor predisposition; Hereditary neoplastic syndrome; Neoplastic Syndromes, Hereditary. Identifiers: Orphanet 140162, MedGen C0027672, MeSH D009386, MONDO:0015356.

Allele frequency attached by ClinVar (database versions not stated): gnomAD exomes 0.00004.
gnomAD v4.1: 56 of 1,609,566 alleles (0.0035%); highest among the groups gnomAD compares: Non-Finnish European, 0.0047%; no homozygotes.

Submissions (3):

Ambry Genetics
Classification: Uncertain significance for Hereditary cancer-predisposing syndrome. Last evaluated: 2024-04-29. Review status: criteria provided, single submitter. Criteria: Ambry Variant Classification Scheme 2023. Collection method: clinical testing. Allele origin: germline.
Comment: The p.R407S variant (also known as c.1221A>C) is located in coding exon 6 of the BLM gene. The arginine at codon 407 is replaced by serine, an amino acid with dissimilar properties. This change occurs in the first base pair of coding exon 6. This amino acid position is highly conserved in available vertebrate species. In addition, the in silico prediction for this alteration is inconclusive. Since supporting evidence is limited at this time, the clinical significance of this alteration remains unclear.

Labcorp Genetics (formerly Invitae), Labcorp
Classification: Uncertain significance for Bloom syndrome. Last evaluated: 2024-04-29. Review status: criteria provided, single submitter. Criteria: Invitae Variant Classification Sherloc (09022015). Collection method: clinical testing. Allele origin: germline.
Comment: This sequence change replaces arginine, which is basic and polar, with serine, which is neutral and polar, at codon 407 of the BLM protein (p.Arg407Ser). This variant is not present in population databases (gnomAD no frequency). This variant has not been reported in the literature in individuals affected with BLM-related conditions. ClinVar contains an entry for this variant (Variation ID: 647847). An algorithm developed to predict the effect of missense changes on protein structure and function (PolyPhen-2) suggests that this variant is likely to be disruptive. RNA analysis performed to evaluate the impact of this missense change on mRNA splicing indicates it does not significantly alter splicing (Invitae). In summary, the available evidence is currently insufficient to determine the role of this variant in disease. Therefore, it has been classified as a Variant of Uncertain Significance.

Natera, Inc.
Classification: Uncertain significance for Bloom syndrome. Last evaluated: 2020-08-10. Review status: no assertion criteria provided. Collection method: clinical testing. Allele origin: germline. Not counted in ClinVar's aggregate classification.